The following is an entry in ClinVar:

ClinVar aggregate classification (germline): Uncertain significance (1 of 4 stars; one submission).

Conditions:
Tuberous sclerosis 2 (TSC2). Identifiers: Orphanet 805, MedGen C1860707, MONDO:0013199, OMIM 613254.

Submission:

Labcorp Genetics (formerly Invitae), Labcorp
Classification: Uncertain significance for Tuberous sclerosis 2. Last evaluated: 2019-08-27. Review status: criteria provided, single submitter. Criteria: Invitae Variant Classification Sherloc (09022015). Collection method: clinical testing. Allele origin: germline.
Comment: This variant is not present in population databases (ExAC no frequency). In summary, the available evidence is currently insufficient to determine the role of this variant in disease. Therefore, it has been classified as a Variant of Uncertain Significance. Algorithms developed to predict the effect of missense changes on protein structure and function are either unavailable or do not agree on the potential impact of this missense change (SIFT: "Deleterious"; PolyPhen-2: "Benign"; Align-GVGD: "Class C0"). This variant has not been reported in the literature in individuals with TSC2-related conditions. This sequence change replaces alanine with phenylalanine at codon 1776 of the TSC2 protein (p.Ala1776Phe). The alanine residue is weakly conserved and there is a moderate physicochemical difference between alanine with phenylalanine.

NM_000548.5(TSC2):c.5326_5327delinsTT (p.Ala1776Phe)

Gene: TSC2 (TSC complex subunit 2; plus strand). Cytogenetic location: 16p13.3.
Variant type: Indel.
Coding change: c.5326_5327delinsTT on transcript NM_000548.5 (MANE Select); coding-DNA positions 5326 to 5327, GC replaced by TT.
Protein change: p.Ala1776Phe; replaces alanine 1776 with phenylalanine.
Molecular consequence: missense variant.
Genome position (GRCh38, 1-based): chr16:2,088,512-2,088,513, GC replaced by TT. VCF-style: chr16-2088512-GC-TT. GRCh37 (hg19) VCF-style: chr16-2138513-GC-TT.
Other names: c.5125_5126delinsTT, p.Ala1709Phe (NM_001077183.3); c.5257_5258delinsTT, p.Ala1753Phe (NM_001114382.3); c.5017_5018delinsTT, p.Ala1673Phe (NM_001318827.2); c.4981_4982delinsTT, p.Ala1661Phe (NM_001318829.2); c.4594_4595delinsTT, p.Ala1532Phe (NM_001318831.2); c.5158_5159delinsTT, p.Ala1720Phe (NM_001318832.2); c.5128_5129delinsTT, p.Ala1710Phe (NM_001363528.2); c.5194_5195delinsTT, p.Ala1732Phe (NM_001370404.1); and 2 more; short protein forms A1532F, A1673F, A1710F, A1732F, A1661F, A1709F, A1720F, A1753F.
Identifiers: ClinVar variation 937983 (VCV000937983.8), dbSNP rs2091200200, ClinGen allele CA1139664257.